The following is an entry in ClinVar:

NM_018706.7(DHTKD1):c.831T>G (p.His277Gln)

Gene: DHTKD1 (dehydrogenase E1 and transketolase domain containing 1; plus strand). Cytogenetic location: 10p14.
Variant type: single nucleotide variant.
Coding change: c.831T>G on transcript NM_018706.7 (MANE Select); coding-DNA position 831, T replaced by G.
Protein change: p.His277Gln; replaces histidine 277 with glutamine.
Molecular consequence: missense variant.
Genome position (GRCh38, 1-based): chr10:12,089,099, T>G. VCF-style: chr10-12089099-T-G. GRCh37 (hg19) VCF-style: chr10-12131098-T-G.
Other names: c.831T>G (NM_018706.5); short protein forms H277Q.
Identifiers: ClinVar variation 2196388 (VCV002196388.5), dbSNP rs779049645, ClinGen allele CA5407661.

ClinVar aggregate classification (germline): Uncertain significance. Review status: criteria provided, multiple submitters, no conflicts (2 of 4 stars). 2 submissions from 2 submitters: Uncertain significance (2). Last evaluated 2024-03-04.

Conditions:
2-aminoadipic 2-oxoadipic aciduria (AAKAD). Also called: Aminoadipic aciduria; ALPHA-AMINOADIPIC AND ALPHA-KETOADIPIC ACIDURIA. Identifiers: Orphanet 79154, MedGen C1859817, MONDO:0008774, OMIM 204750.
Inborn genetic diseases. Identifiers: MedGen C0950123, MeSH D030342.

Allele frequency attached by ClinVar (database versions not stated): ExAC 0.00002.
gnomAD v4.1: 10 of 1,613,968 alleles (0.00062%); highest among the groups gnomAD compares: Non-Finnish European, 0.00068%; no homozygotes.

Submissions (2):

Labcorp Genetics (formerly Invitae), Labcorp
Classification: Uncertain significance for 2-aminoadipic 2-oxoadipic aciduria. Last evaluated: 2024-03-04. Review status: criteria provided, single submitter. Criteria: Invitae Variant Classification Sherloc (09022015). Collection method: clinical testing. Allele origin: germline.
Comment: This sequence change replaces histidine, which is basic and polar, with glutamine, which is neutral and polar, at codon 277 of the DHTKD1 protein (p.His277Gln). This variant is present in population databases (rs779049645, gnomAD 0.004%). This variant has not been reported in the literature in individuals affected with DHTKD1-related conditions. ClinVar contains an entry for this variant (Variation ID: 2196388). Advanced modeling of protein sequence and biophysical properties (such as structural, functional, and spatial information, amino acid conservation, physicochemical variation, residue mobility, and thermodynamic stability) performed at Invitae indicates that this missense variant is not expected to disrupt DHTKD1 protein function with a negative predictive value of 80%. In summary, the available evidence is currently insufficient to determine the role of this variant in disease. Therefore, it has been classified as a Variant of Uncertain Significance.

Ambry Genetics
Classification: Uncertain significance for Inborn genetic diseases. Last evaluated: 2022-09-22. Review status: criteria provided, single submitter. Criteria: Ambry Variant Classification Scheme 2023. Collection method: clinical testing. Allele origin: germline.